The following is an entry in ClinVar:

ClinVar aggregate classification (germline): Uncertain significance (1 of 4 stars; one submission).

Conditions:
Hereditary cancer-predisposing syndrome. Also called: Neoplastic Syndromes, Hereditary; Tumor predisposition; Hereditary Cancer Syndrome; Hereditary neoplastic syndrome. Identifiers: Orphanet 140162, MedGen C0027672, MeSH D009386, MONDO:0015356.

gnomAD v4.1: 1 of 1,614,208 alleles (0.000062%); highest among the groups gnomAD compares: Non-Finnish European, 0.000085%; no homozygotes.

Submission:

Ambry Genetics
Classification: Uncertain significance for Hereditary cancer-predisposing syndrome. Last evaluated: 2025-10-07. Review status: criteria provided, single submitter. Criteria: Ambry Variant Classification Scheme 2023. Collection method: clinical testing. Allele origin: germline.
Comment: The p.C501Y variant (also known as c.1502G>A), located in coding exon 15 of the POLE gene, results from a G to A substitution at nucleotide position 1502. The cysteine at codon 501 is replaced by tyrosine, an amino acid with highly dissimilar properties. This amino acid position is conserved. In addition, this alteration is predicted to be deleterious by in silico analysis. Based on the available evidence, the clinical significance of this variant remains unclear.

NM_006231.4(POLE):c.1502G>A (p.Cys501Tyr)

Gene: POLE (DNA polymerase epsilon, catalytic subunit; minus strand). Cytogenetic location: 12q24.33.
Variant type: single nucleotide variant.
Coding change: c.1502G>A on transcript NM_006231.4 (MANE Select); coding-DNA position 1502, G replaced by A.
Protein change: p.Cys501Tyr; replaces cysteine 501 with tyrosine.
Molecular consequence: missense variant.
Genome position (GRCh38, 1-based): chr12:132,672,811, C>T on the plus strand (G>A on the coding strand, the complement: POLE is on the minus strand). VCF-style: chr12-132672811-C-T. GRCh37 (hg19) VCF-style: chr12-133249397-C-T.
Other names: short protein forms C501Y.
Identifiers: ClinVar variation 4671826 (VCV004671826.1).